The following is an entry in ClinVar:

ClinVar aggregate classification (germline): Uncertain significance (1 of 4 stars; one submission).

Submission:

CeGaT Center for Human Genetics Tuebingen
Classification: Uncertain significance. Last evaluated: 2024-12-01. Review status: criteria provided, single submitter. Criteria: CeGaT Center For Human Genetics Tuebingen Variant Classification Criteria Version 2. Collection method: clinical testing. Allele origin: germline. Affected: yes. Observed: 1 variant allele.
Comment: BCS1L: PM2, PM5, PP3

NM_001079866.2(BCS1L):c.97C>T (p.Arg33Trp)

Gene: BCS1L (BCS1 ubiquinol-cytochrome c reductase complex chaperone; plus strand). Cytogenetic location: 2q35.
Variant type: single nucleotide variant.
Coding change: c.97C>T on transcript NM_001079866.2 (MANE Select); coding-DNA position 97, C replaced by T.
Protein change: p.Arg33Trp; replaces arginine 33 with tryptophan.
Molecular consequence: missense variant. On other transcripts: 5 prime UTR variant (5), non-coding transcript variant (1), intron variant (3).
Genome position (GRCh38, 1-based): chr2:218,661,084, C>T. VCF-style: chr2-218661084-C-T. GRCh37 (hg19) VCF-style: chr2-219525807-C-T.
Other names: c.97C>T, p.Arg33Trp (NM_001257342.2, NM_001257343.2, NM_001257344.2 and 10 more transcripts); c.-380C>T (NM_001371453.1, NM_001371454.1, NM_001371455.1 and 2 more transcripts); c.-40-322C>T (NM_001371451.1, NM_001318836.2); c.-41-675C>T (NM_001371452.1); short protein forms R33W.
Identifiers: ClinVar variation 3771869 (VCV003771869.13).